The following is an entry in ClinVar:

ClinVar aggregate classification (germline): Uncertain significance (1 of 4 stars; one submission).

Conditions:
Inflammatory bowel disease 28. Also called: Inflammatory bowel disease 28, early onset, autosomal recessive. Identifiers: Orphanet 238569, MedGen C2751053, MONDO:0013153, OMIM 613148.

Submission:

Labcorp Genetics (formerly Invitae), Labcorp
Classification: Uncertain significance for Inflammatory bowel disease 28. Last evaluated: 2022-10-27. Review status: criteria provided, single submitter. Criteria: Invitae Variant Classification Sherloc (09022015). Collection method: clinical testing. Allele origin: germline.
Comment: This variant has not been reported in the literature in individuals affected with IL10RA-related conditions. This variant is not present in population databases (gnomAD no frequency). This sequence change replaces alanine, which is neutral and non-polar, with serine, which is neutral and polar, at codon 442 of the IL10RA protein (p.Ala442Ser). Advanced modeling of protein sequence and biophysical properties (such as structural, functional, and spatial information, amino acid conservation, physicochemical variation, residue mobility, and thermodynamic stability) performed at Invitae indicates that this missense variant is not expected to disrupt IL10RA protein function. In summary, the available evidence is currently insufficient to determine the role of this variant in disease. Therefore, it has been classified as a Variant of Uncertain Significance.

NM_001558.4(IL10RA):c.1324G>T (p.Ala442Ser)

Gene: IL10RA (interleukin 10 receptor subunit alpha; plus strand). Cytogenetic location: 11q23.3.
Variant type: single nucleotide variant.
Coding change: c.1324G>T on transcript NM_001558.4 (MANE Select); coding-DNA position 1324, G replaced by T.
Protein change: p.Ala442Ser; replaces alanine 442 with serine.
Molecular consequence: missense variant. On other transcripts: non-coding transcript variant (1).
Genome position (GRCh38, 1-based): chr11:117,999,228, G>T. VCF-style: chr11-117999228-G-T. GRCh37 (hg19) VCF-style: chr11-117869943-G-T.
Other names: short protein forms A442S.
Identifiers: ClinVar variation 3012092 (VCV003012092.3), dbSNP rs1161320048, ClinGen allele CA382780839.
Genomic context (GRCh38, chr11:117,999,228, plus strand): 5'-TTGGGCCACCACAGTCCCCCGGAGCCTGAGGTGCCTGGGGAAGAAGACCCAGCTGCTGTG[G>T]CATTCCAGGGTTACCTGAGGCAGACCAGATGTGCTGAAGAGAAGGCAACCAAGACAGGCT-3'
Protein context (NP_001549.2, residues 432-452): VPGEEDPAAV[Ala442Ser]FQGYLRQTRC